The following is an entry in ClinVar:

ClinVar aggregate classification (germline): Likely benign (1 of 4 stars; one submission).

Allele frequency attached by ClinVar (database versions not stated): TOPMed 0.00001; ExAC 0.00002; gnomAD exomes 0.00002; gnomAD 0.00005.

Submission:

CeGaT Center for Human Genetics Tuebingen
Classification: Likely benign. Last evaluated: 2022-12-01. Review status: criteria provided, single submitter. Criteria: CeGaT Center For Human Genetics Tuebingen Variant Classification Criteria Version 2. Collection method: clinical testing. Allele origin: germline. Affected: yes. Observed: 1 variant allele.
Comment: ADAM15: BP4, BP7

NM_207197.3(ADAM15):c.1836C>T (p.Cys612=)

Genes: ADAM15 (ADAM metallopeptidase domain 15; plus strand), ADAM15-EFNA4 (ADAM15-EFNA4 readthrough; plus strand), DCST1-AS1 (DCST1 antisense RNA 1; minus strand). Cytogenetic location: 1q21.3.
Variant type: single nucleotide variant.
Coding change: c.1836C>T on transcript NM_207197.3 (MANE Select); coding-DNA position 1836, C replaced by T.
Protein change: p.Cys612=; no amino-acid change (cysteine 612 retained).
Molecular consequence: synonymous variant. On other transcripts: non-coding transcript variant (4).
Genome position (GRCh38, 1-based): chr1:155,058,360, C>T. VCF-style: chr1-155058360-C-T. GRCh37 (hg19) VCF-style: chr1-155030836-C-T.
Other names: c.1866C>T, p.Cys622= (NM_001261464.2); c.1836C>T, p.Cys612= (NM_001261465.2, NM_003815.5, NM_207191.3 and 3 more transcripts); c.1788C>T, p.Cys596= (NM_001261466.2).
Identifiers: ClinVar variation 2639392 (VCV002639392.24), dbSNP rs765065831, ClinGen allele CA1137206.